The following is an entry in ClinVar:

NM_001458.5(FLNC):c.2812-3C>T

Gene: FLNC (filamin C; plus strand). Cytogenetic location: 7q32.1.
Variant type: single nucleotide variant.
Coding change: c.2812-3C>T on transcript NM_001458.5 (MANE Select); 3 bases into the intron before coding-DNA position 2812, C replaced by T.
Molecular consequence: intron variant.
Genome position (GRCh38, 1-based): chr7:128,843,793, C>T. VCF-style: chr7-128843793-C-T. GRCh37 (hg19) VCF-style: chr7-128483847-C-T.
Other names: p.?; c.2812-3C>T (NM_001127487.2).
Identifiers: ClinVar variation 4683303 (VCV004683303.1).
Genomic context (GRCh38, chr7:128,843,793, plus strand): 5'-ACCACCAGGATGTTGTAGGACCTTGCCTTATATCCAGTTCTGACCTACCATTGTACCCAA[C>T]AGGGCAACATGGCAGTGACAGTGACTTATGGCGGGGACCCTGTCCCCAAGAGCCCCTTTG-3'

ClinVar aggregate classification (germline): Likely benign (1 of 4 stars; one submission).

Submission:

Mayo Clinic Laboratories, Mayo Clinic
Classification: Likely benign. Last evaluated: 2025-06-23. Review status: criteria provided, single submitter. Criteria: ACMG Guidelines, 2015. Collection method: clinical testing. Allele origin: germline. Observed: 1 variant allele.
Comment: BP4, BP7, PM2_supporting